The following is an entry in ClinVar:

ClinVar aggregate classification (germline): Likely benign (0 of 4 stars; one submission).

Conditions:
CSF1R-related disorder. Also called: CSF1R-related condition. Identifiers: MedGen CN379780, MONDO:0100632.

gnomAD v4.1: 1 of 1,614,216 alleles (0.000062%); no homozygotes.

Submission:

PreventionGenetics, part of Exact Sciences
Classification: Likely benign for CSF1R-related condition. Last evaluated: 2020-05-18. Review status: no assertion criteria provided. Collection method: clinical testing. Allele origin: germline.
Comment: This variant is classified as likely benign based on ACMG/AMP sequence variant interpretation guidelines (Richards et al. 2015 PMID: 25741868, with internal and published modifications).

NM_001288705.3(CSF1R):c.1647C>T (p.Arg549=)

Gene: CSF1R (colony stimulating factor 1 receptor; minus strand). Cytogenetic location: 5q32.
Variant type: single nucleotide variant.
Coding change: c.1647C>T on transcript NM_001288705.3 (MANE Select); coding-DNA position 1647, C replaced by T.
Protein change: p.Arg549=; no amino-acid change (arginine 549 retained).
Molecular consequence: synonymous variant. On other transcripts: non-coding transcript variant (2).
Genome position (GRCh38, 1-based): chr5:150,061,829, G>A on the plus strand (C>T on the coding strand, the complement: CSF1R is on the minus strand). VCF-style: chr5-150061829-G-A. GRCh37 (hg19) VCF-style: chr5-149441392-G-A.
Other names: c.1647C>T, p.Arg549= (NM_001349736.2, NM_001375320.1, NM_005211.4); c.1203C>T, p.Arg401= (NM_001375321.1).
Identifiers: ClinVar variation 3054069 (VCV003054069.2), dbSNP rs1757545039, ClinGen allele CA447405243.
Genomic context (GRCh38, chr5:150,061,829, plus strand): 5'-CAGCTGCGTGGGGTCGATGAAAGTATAACTGTTGCCCTCATAGCTCTCGATGATCTTCCA[G>A]CGGACCTGGTACTTGGGCTTCTGCAGAAGAGGAAGGGAGCACGTGGCAGTCGGGGCTGGC-3'
Protein context (NP_001275634.1, residues 539-559): KYKQKPKYQV[Arg549=]WKIIESYEGN